The following is an entry in ClinVar:

NM_001253852.3(AP4B1):c.1066del (p.Cys356fs)

Genes: AP4B1 (adaptor related protein complex 4 subunit beta 1; minus strand), AP4B1-AS1 (AP4B1 antisense RNA 1; plus strand). Cytogenetic location: 1p13.2.
Variant type: Deletion.
Coding change: c.1066del on transcript NM_001253852.3 (MANE Select); coding-DNA position 1066, one base deleted (T; older notation c.1066delT).
Protein change: p.Cys356fs; shifts the reading frame from cysteine 356.
Molecular consequence: frameshift variant. On other transcripts: non-coding transcript variant (2).
Genome position (GRCh38, 1-based): chr1:113,899,952, A deleted on the plus strand (T on the coding strand, the reverse complement: AP4B1 is on the minus strand). VCF-style (leftmost placement, unchanged base first): chr1-113899951-CA-C. GRCh37 (hg19) VCF-style: chr1-114442573-CA-C.
Other names: c.769del, p.Cys257fs (NM_001253853.3); c.562del, p.Cys188fs (NM_001308312.2); c.1066del, p.Cys356fs (NM_006594.5); short protein forms C257fs, C188fs, C356fs.
Identifiers: ClinVar variation 2584921 (VCV002584921.1), dbSNP rs2526583249, ClinGen allele CA2582341928.
Genomic context (GRCh38, chr1:113,899,951, plus strand): 5'-AGCAGACACCTACCTATGGCAAAGATGGCAGCCTGTGCAAAGTCCGCAGACACATCCGTG[CA>C]GTACCCTCGAAGCTCCTCTAGCACCTGCTGCACATTCTCATCGTTCACCAGTTCACACAG-3'

ClinVar aggregate classification (germline): Likely pathogenic (1 of 4 stars; one submission).

Conditions:
Hereditary spastic paraplegia 47. Also called: CEREBRAL PALSY, SPASTIC QUADRIPLEGIC, 5; adaptor protein 4 (AP-4) deficiency syndrome; Spastic paraplegia 47, autosomal recessive. Identifiers: Orphanet 280763, MedGen C3279738, MONDO:0013551, OMIM 614066.

Submission:

Neuberg Centre For Genomic Medicine, NCGM
Classification: Likely pathogenic for Hereditary spastic paraplegia 47. Review status: criteria provided, single submitter. Criteria: ACMG Guidelines, 2015. Collection method: clinical testing. Allele origin: germline. Inheritance: Autosomal recessive inheritance. Affected: yes.
Comment: The frameshift variant c.1066del (p.Cys356AlafsTer16) in AP4B1 gene has not been reported previously as a pathogenic variant nor as a benign variant, to our knowledge. This variant causes a frameshift starting with codon Cysteine 356, changes this amino acid to Alanine residue, and creates a premature Stop codon at position 16 of the new reading frame, denoted p.Cys356AlafsTer16. The p.Cys356AlafsTer16 variant is novel (not in any individuals) in gnomAD Exomes and 1000 Genomes. This variant is predicted to cause loss of normal protein function. Loss of function variants have been previously reported to be disease causing. For these reasons, this variant has been classified as Likely Pathogenic.